The following is an entry in ClinVar:

ClinVar aggregate classification (germline): Uncertain significance (1 of 4 stars; one submission).

Conditions:
Baller-Gerold syndrome (BGS). Also called: CRANIOSYNOSTOSIS WITH RADIAL DEFECTS. Identifiers: Orphanet 1225, MedGen C0265308, MONDO:0009039, OMIM 218600.

Submission:

Labcorp Genetics (formerly Invitae), Labcorp
Classification: Uncertain significance for Baller-Gerold syndrome. Last evaluated: 2022-09-04. Review status: criteria provided, single submitter. Criteria: Invitae Variant Classification Sherloc (09022015). Collection method: clinical testing. Allele origin: germline.
Comment: In summary, the available evidence is currently insufficient to determine the role of this variant in disease. Therefore, it has been classified as a Variant of Uncertain Significance. Experimental studies and prediction algorithms are not available or were not evaluated, and the functional significance of this variant is currently unknown. This variant has not been reported in the literature in individuals affected with RECQL4-related conditions. This variant is not present in population databases (gnomAD no frequency). This sequence change replaces glycine, which is neutral and non-polar, with glutamic acid, which is acidic and polar, at codon 477 of the RECQL4 protein (p.Gly477Glu).

NM_004260.4(RECQL4):c.1430G>A (p.Gly477Glu)

Gene: RECQL4 (RecQ like helicase 4; minus strand). Cytogenetic location: 8q24.3.
Variant type: single nucleotide variant.
Coding change: c.1430G>A on transcript NM_004260.4 (MANE Select); coding-DNA position 1430, G replaced by A.
Protein change: p.Gly477Glu; replaces glycine 477 with glutamic acid.
Molecular consequence: missense variant.
Genome position (GRCh38, 1-based): chr8:144,515,203, C>T on the plus strand (G>A on the coding strand, the complement: RECQL4 is on the minus strand). VCF-style: chr8-144515203-C-T. GRCh37 (hg19) VCF-style: chr8-145740587-C-T.
Other names: c.359G>A, p.Gly120Glu (NM_001413023.1, NM_001413024.1, NM_001413028.1 and 8 more transcripts); c.1301G>A, p.Gly434Glu (NM_001413025.1); c.293G>A, p.Gly98Glu (NM_001413027.1, NM_001413030.1, NM_001413031.1 and 2 more transcripts); c.1079G>A, p.Gly360Glu (NM_001413029.1); c.1430G>A, p.Gly477Glu (NM_001413033.1, NM_001413036.1, NM_001413039.1 and 2 more transcripts); c.-38G>A (NM_001413043.1); c.1334G>A, p.Gly445Glu (NM_001413017.1, NM_001413020.1); short protein forms G360E, G445E, G477E, G120E, G434E, G98E.
Identifiers: ClinVar variation 2070910 (VCV002070910.4), dbSNP rs2538059812, ClinGen allele CA372684861.